The following is an entry in ClinVar:

NM_004700.4(KCNQ4):c.263A>G (p.Tyr88Cys)

Gene: KCNQ4 (potassium voltage-gated channel subfamily Q member 4; plus strand). Cytogenetic location: 1p34.2.
Variant type: single nucleotide variant.
Coding change: c.263A>G on transcript NM_004700.4 (MANE Select); coding-DNA position 263, A replaced by G.
Protein change: p.Tyr88Cys; replaces tyrosine 88 with cysteine.
Molecular consequence: missense variant.
Genome position (GRCh38, 1-based): chr1:40,784,356, A>G. VCF-style: chr1-40784356-A-G. GRCh37 (hg19) VCF-style: chr1-41250028-A-G.
Other names: c.263A>G, p.Tyr88Cys (NM_172163.3); short protein forms Y88C.
Identifiers: ClinVar variation 3655777 (VCV003655777.2).

ClinVar aggregate classification (germline): Uncertain significance (1 of 4 stars; one submission).

Submission:

Labcorp Genetics (formerly Invitae), Labcorp
Classification: Uncertain significance. Last evaluated: 2024-06-06. Review status: criteria provided, single submitter. Criteria: Invitae Variant Classification Sherloc (09022015). Collection method: clinical testing. Allele origin: germline.
Comment: This sequence change replaces tyrosine, which is neutral and polar, with cysteine, which is neutral and slightly polar, at codon 88 of the KCNQ4 protein (p.Tyr88Cys). This variant is not present in population databases (gnomAD no frequency). This variant has not been reported in the literature in individuals affected with KCNQ4-related conditions. Advanced modeling of protein sequence and biophysical properties (such as structural, functional, and spatial information, amino acid conservation, physicochemical variation, residue mobility, and thermodynamic stability) performed at Invitae indicates that this missense variant is expected to disrupt KCNQ4 protein function with a positive predictive value of 80%. In summary, the available evidence is currently insufficient to determine the role of this variant in disease. Therefore, it has been classified as a Variant of Uncertain Significance.